The following is an entry in ClinVar:

NM_000111.3(SLC26A3):c.1246A>G (p.Ile416Val)

Gene: SLC26A3 (solute carrier family 26 member 3; minus strand). Cytogenetic location: 7q22.3.
Variant type: single nucleotide variant.
Coding change: c.1246A>G on transcript NM_000111.3 (MANE Select); coding-DNA position 1246, A replaced by G.
Protein change: p.Ile416Val; replaces isoleucine 416 with valine.
Molecular consequence: missense variant.
Genome position (GRCh38, 1-based): chr7:107,782,862, T>C on the plus strand (A>G on the coding strand, the complement: SLC26A3 is on the minus strand). VCF-style: chr7-107782862-T-C. GRCh37 (hg19) VCF-style: chr7-107423307-T-C.
Other names: short protein forms I416V.
Identifiers: ClinVar variation 1950279 (VCV001950279.2), dbSNP rs752669981, ClinGen allele CA4433885.

ClinVar aggregate classification (germline): Uncertain significance (1 of 4 stars; one submission).

Allele frequency attached by ClinVar (database versions not stated): gnomAD exomes below 0.00001; ExAC 0.00001; gnomAD 0.00001; TOPMed 0.00001.
gnomAD v4.1: 3 of 1,613,988 alleles (0.00019%); highest among the groups gnomAD compares: Admixed American, 0.005%; no homozygotes.

Submission:

Labcorp Genetics (formerly Invitae), Labcorp
Classification: Uncertain significance. Last evaluated: 2022-07-16. Review status: criteria provided, single submitter. Criteria: Invitae Variant Classification Sherloc (09022015). Collection method: clinical testing. Allele origin: germline.
Comment: This sequence change replaces isoleucine, which is neutral and non-polar, with valine, which is neutral and non-polar, at codon 416 of the SLC26A3 protein (p.Ile416Val). This variant is present in population databases (rs752669981, gnomAD 0.003%). This variant has not been reported in the literature in individuals affected with SLC26A3-related conditions. Advanced modeling of protein sequence and biophysical properties (such as structural, functional, and spatial information, amino acid conservation, physicochemical variation, residue mobility, and thermodynamic stability) performed at Invitae indicates that this missense variant is not expected to disrupt SLC26A3 protein function. In summary, the available evidence is currently insufficient to determine the role of this variant in disease. Therefore, it has been classified as a Variant of Uncertain Significance.